The following is an entry in ClinVar:

NM_032119.4(ADGRV1):c.16381G>A (p.Glu5461Lys)

Gene: ADGRV1 (adhesion G protein-coupled receptor V1; plus strand). Cytogenetic location: 5q14.3.
Variant type: single nucleotide variant.
Coding change: c.16381G>A on transcript NM_032119.4 (MANE Select); coding-DNA position 16381, G replaced by A.
Protein change: p.Glu5461Lys; replaces glutamic acid 5461 with lysine.
Molecular consequence: missense variant. On other transcripts: non-coding transcript variant (1).
Genome position (GRCh38, 1-based): chr5:90,828,956, G>A. VCF-style: chr5-90828956-G-A. GRCh37 (hg19) VCF-style: chr5-90124773-G-A.
Other names: short protein forms E5461K.
Identifiers: ClinVar variation 3002999 (VCV003002999.4), dbSNP rs1210003878, ClinGen allele CA360426647.

ClinVar aggregate classification (germline): Conflicting classifications of pathogenicity. Review status: criteria provided, conflicting classifications (1 of 4 stars). 2 submissions from 2 submitters: Uncertain significance (1); Likely benign (1). Last evaluated 2026-05-08.

Allele frequency attached by ClinVar (database versions not stated): gnomAD 0.00001; TOPMed 0.00001.
gnomAD v4.1: 2 of 1,575,676 alleles (0.00013%); highest among the groups gnomAD compares: African/African-American, 0.0027%; no homozygotes.

Submissions (2):

Women's Health and Genetics/Laboratory Corporation of America, LabCorp
Classification: Uncertain significance. Last evaluated: 2026-05-08. Review status: criteria provided, single submitter. Criteria: LabCorp Variant Classification Summary - May 2015. Collection method: clinical testing. Allele origin: germline.
Comment: Variant summary: ADGRV1 c.16381G>A (p.Glu5461Lys) results in a conservative amino acid change in the encoded protein sequence. Algorithms developed to predict the effect of missense changes on protein structure and function are either unavailable or do not agree on the potential impact of this missense change. The variant allele was found at a frequency of 4.1e-06 in 242934 control chromosomes. The available data on variant occurrences in the general population are insufficient to allow any conclusion about variant significance. To our knowledge, no occurrence of c.16381G>A in individuals affected with ADGRV1-related conditions and no experimental evidence demonstrating its impact on protein function have been reported. ClinVar contains an entry for this variant (Variation ID: 3002999). Based on the evidence outlined above, the variant was classified as uncertain significance.

Labcorp Genetics (formerly Invitae), Labcorp
Classification: Likely benign. Last evaluated: 2023-04-15. Review status: criteria provided, single submitter. Criteria: Invitae Variant Classification Sherloc (09022015). Collection method: clinical testing. Allele origin: germline.